The following is an entry in ClinVar:

NM_006904.7(PRKDC):c.5488C>T (p.His1830Tyr)

Gene: PRKDC (protein kinase, DNA-activated, catalytic subunit; minus strand). Cytogenetic location: 8q11.21.
Variant type: single nucleotide variant.
Coding change: c.5488C>T on transcript NM_006904.7 (MANE Select); coding-DNA position 5488, C replaced by T.
Protein change: p.His1830Tyr; replaces histidine 1830 with tyrosine.
Molecular consequence: missense variant.
Genome position (GRCh38, 1-based): chr8:47,864,639, G>A on the plus strand (C>T on the coding strand, the complement: PRKDC is on the minus strand). VCF-style: chr8-47864639-G-A. GRCh37 (hg19) VCF-style: chr8-48777200-G-A.
Other names: c.5488C>T, p.His1830Tyr (NM_001081640.2); short protein forms H1830Y.
Identifiers: ClinVar variation 2118956 (VCV002118956.2), dbSNP rs1256547272, ClinGen allele CA371163460.

ClinVar aggregate classification (germline): Uncertain significance (1 of 4 stars; one submission).

Conditions:
Severe combined immunodeficiency due to DNA-PKcs deficiency. Also called: IMMUNODEFICIENCY 26 WITH NEUROLOGIC ABNORMALITIES; Immunodeficiency 26 with or without neurologic abnormalities. Identifiers: Orphanet 317425, MedGen C4014833, MONDO:0014423, OMIM 615966.

Allele frequency attached by ClinVar (database versions not stated): TOPMed below 0.00001.

Submission:

Labcorp Genetics (formerly Invitae), Labcorp
Classification: Uncertain significance for Severe combined immunodeficiency due to DNA-PKcs deficiency. Last evaluated: 2022-03-28. Review status: criteria provided, single submitter. Criteria: Invitae Variant Classification Sherloc (09022015). Collection method: clinical testing. Allele origin: germline.
Comment: This variant has not been reported in the literature in individuals affected with PRKDC-related conditions. This variant is not present in population databases (gnomAD no frequency). This sequence change replaces histidine, which is basic and polar, with tyrosine, which is neutral and polar, at codon 1830 of the PRKDC protein (p.His1830Tyr). Experimental studies and prediction algorithms are not available or were not evaluated, and the functional significance of this variant is currently unknown. In summary, the available evidence is currently insufficient to determine the role of this variant in disease. Therefore, it has been classified as a Variant of Uncertain Significance.